The following is an entry in ClinVar:

ClinVar aggregate classification (germline): Benign (1 of 4 stars; one submission).

Allele frequency attached by ClinVar (database versions not stated): gnomAD exomes 0.00366; gnomAD 0.02663 and 0.02852; TOPMed 0.03042; 1000 Genomes Project 0.03255; 1000 Genomes Project 30x 0.03482.
gnomAD v4.1: 4,381 of 254,896 alleles (1.7%); highest among the groups gnomAD compares: African/African-American, 9.2%; 195 homozygotes.

Submission:

GeneDx
Classification: Benign. Last evaluated: 2018-06-14. Review status: criteria provided, single submitter. Criteria: GeneDx Variant Classification (06012015). Collection method: clinical testing. Allele origin: germline. Affected: yes.
Comment: This variant is considered likely benign or benign based on one or more of the following criteria: it is a conservative change, it occurs at a poorly conserved position in the protein, it is predicted to be benign by multiple in silico algorithms, and/or has population frequency not consistent with disease.

NM_001277062.2(MFF):c.-40-294G>A

Gene: MFF (mitochondrial fission factor; plus strand). Cytogenetic location: 2q36.3.
Variant type: single nucleotide variant.
Coding change: c.-40-294G>A on transcript NM_001277062.2 (MANE Select); 294 bases into the intron before 40 bases upstream of the start codon, G replaced by A.
Molecular consequence: intron variant.
Genome position (GRCh38, 1-based): chr2:227,330,332, G>A. VCF-style: chr2-227330332-G-A. GRCh37 (hg19) VCF-style: chr2-228195048-G-A.
Other names: c.39-294G>A (NM_001277061.2, NM_020194.5); c.-40-294G>A (NM_001277063.2, NM_001277064.2, NM_001277065.2 and 2 more transcripts); c.-35-449G>A (NM_001277067.1).
Identifiers: ClinVar variation 673169 (VCV000673169.1), dbSNP rs10193765, ClinGen allele CA66639039.